The following is an entry in ClinVar:

ClinVar aggregate classification (germline): Pathogenic/Likely pathogenic. Review status: criteria provided, multiple submitters, no conflicts (2 of 4 stars). 4 submissions from 4 submitters: Pathogenic (1); Likely pathogenic (3). Last evaluated 2025-07-21.

Conditions:
NF1-related disorder. Also called: NF1-related condition. Identifiers: MedGen CN379171.
Neurofibromatosis, type 1 (NF1). Also called: Neurofibromatosis, type I; Peripheral type neurofibromatosis; VON RECKLINGHAUSEN DISEASE; NEUROFIBROMATOSIS, TYPE I, SOMATIC. Identifiers: Orphanet 636, MedGen C0027831, MONDO:0018975, OMIM 162200. Disease mechanism: loss of function.

Submissions (4):

Labcorp Genetics (formerly Invitae), Labcorp
Classification: Pathogenic for Neurofibromatosis, type 1. Last evaluated: 2025-07-21. Review status: criteria provided, single submitter. Criteria: Invitae Variant Classification Sherloc (09022015). Collection method: clinical testing. Allele origin: germline.
Comment: This sequence change falls in intron 12 of the NF1 gene. It does not directly change the encoded amino acid sequence of the NF1 protein. RNA analysis indicates that this variant induces altered splicing and may result in an absent or altered protein product. This variant is not present in population databases (gnomAD no frequency). This variant has been observed in individual(s) with clinical features of neurofibromatosis type 1 (PMID: 18546366, 37186028; internal data). Invitae Evidence Modeling of clinical and family history, age, sex, and reported ancestry of multiple individuals with this NF1 variant has been performed. This variant is expected to be pathogenic with a positive predictive value of at least 99%. This is a validated machine learning model that incorporates the clinical features of 1,785,918 individuals referred to our laboratory for NF1 testing. ClinVar contains an entry for this variant (Variation ID: 1016082). Studies have shown that this variant results in the inclusion of a cryptic exon, and produces a non-functional protein and/or introduces a premature termination codon (PMID: 18546366). For these reasons, this variant has been classified as Pathogenic.

GeneDx
Classification: Likely pathogenic. Last evaluated: 2023-08-29. Review status: criteria provided, single submitter. Criteria: GeneDx Variant Classification Process June 2021. Collection method: clinical testing. Allele origin: germline. Affected: yes.
Comment: Non-canonical splice site variant demonstrated to result in protein truncation or nonsense mediated decay in a gene for which loss-of-function is a known mechanism of disease (Pros et al., 2008); No data available from control populations to assess the frequency of this variant (gnomAD); Also known as IVS10a-592A>G; This variant is associated with the following publications: (PMID: 19823873, 23913538, 18546366)

Blueprint Genetics
Classification: Likely pathogenic for NF1-related disorders. Last evaluated: 2018-10-19. Review status: criteria provided, single submitter. Criteria: ACMG Guidelines, 2015. Collection method: clinical testing. Allele origin: germline. Affected: yes. Observed: 1 variant allele.

Department of Pathology and Laboratory Medicine, Sinai Health System
Classification: Likely pathogenic for neurofibromatosis type 1. Review status: criteria provided, single submitter. Criteria: ACMG Guidelines, 2015. Collection method: clinical testing. Allele origin: germline.

Literature cited by the submitters: PubMed 18546366 (cited by Labcorp Genetics (formerly Invitae), Labcorp); PubMed 37186028 (cited by Labcorp Genetics (formerly Invitae), Labcorp).

NM_001042492.3(NF1):c.1393-592A>G

Gene: NF1 (neurofibromin 1; plus strand). Cytogenetic location: 17q11.2.
Variant type: single nucleotide variant.
Coding change: c.1393-592A>G on transcript NM_001042492.3 (MANE Select); 592 bases into the intron before coding-DNA position 1393, A replaced by G.
Molecular consequence: intron variant.
Genome position (GRCh38, 1-based): chr17:31,213,859, A>G. VCF-style: chr17-31213859-A-G. GRCh37 (hg19) VCF-style: chr17-29540877-A-G.
Other names: c.1393-592A>G (NM_000267.4, NM_001128147.3).
Identifiers: ClinVar variation 1016082 (VCV001016082.8), dbSNP rs2066773116, ClinGen allele CA2255556095.